The following is an entry in ClinVar:

ClinVar aggregate classification (germline): Pathogenic/Likely pathogenic. Review status: criteria provided, multiple submitters, no conflicts (2 of 4 stars). 3 submissions from 3 submitters: Pathogenic (2); Likely pathogenic (1). Last evaluated 2026-04-23.

Conditions:
Cardiovascular phenotype. Identifiers: MedGen CN230736.
Hereditary cancer-predisposing syndrome. Also called: Hereditary Cancer Syndrome; Neoplastic Syndromes, Hereditary; Tumor predisposition; Hereditary neoplastic syndrome. Identifiers: Orphanet 140162, MedGen C0027672, MeSH D009386, MONDO:0015356.
Noonan syndrome 10 (NS10). Identifiers: Orphanet 648, MedGen C4225280, MONDO:0014693, OMIM 616564.

Submissions (3):

Ambry Genetics
Classification: Likely pathogenic for Cardiovascular phenotype; Hereditary cancer-predisposing syndrome. Last evaluated: 2026-04-23. Review status: criteria provided, single submitter. Criteria: Ambry Variant Classification Scheme 2023. Collection method: clinical testing. Allele origin: germline.
Comment: The c.1785+1G>C intronic variant results from a G to C substitution one nucleotide after coding exon 15 of the LZTR1 gene. This nucleotide position is highly conserved in available vertebrate species. In silico splice site analysis predicts that this alteration will weaken the native splice donor site and will result in the creation or strengthening of a novel splice donor site. Alterations that disrupt the canonical splice site are expected to cause aberrant splicing, resulting in an abnormal protein or a transcript that is subject to nonsense-mediated mRNA decay. Loss-of-function variants in LZTR1 are related to an increased risk for schwannomas and autosomal recessive Noonan syndrome; however, such associations with autosomal dominant Noonan syndrome have not been observed (Piotrowski A et al. Nat Genet. 2014 Feb;46:182-7; Yamamoto GL et al. J Med Genet. 2015 Jun;52:413-21; Johnston JJ et al. Genet Med. 2018 10;20:1175-1185). Based on the supporting evidence, this variant is likely pathogenic for an increased risk of LZTR1-related schwannomatosis (SWN) and would be expected to cause autosomal recessive Noonan syndrome when present along with a second pathogenic or likely pathogenic variant on the other allele; however, the association of this variant with autosomal dominant Noonan syndrome is unlikely.

GeneDx
Classification: Pathogenic. Last evaluated: 2024-07-26. Review status: criteria provided, single submitter. Criteria: GeneDx Variant Classification Process June 2021. Collection method: clinical testing. Allele origin: germline. Affected: yes.
Comment: Canonical splice site variant predicted to result in a null allele in a gene for which loss of function is a known mechanism of disease; Not observed at significant frequency in large population cohorts (gnomAD); Has not been previously published as pathogenic or benign to our knowledge

Institute for Genomic Statistics and Bioinformatics, University Hospital Bonn
Classification: Pathogenic for Noonan syndrome 10. Review status: criteria provided, single submitter. Criteria: ACMG Guidelines, 2015. Collection method: clinical testing. Allele origin: de novo. Inheritance: Autosomal dominant inheritance. Affected: yes. Observed: 1 heterozygote.
Comment: ACMG classification: pathogenic (class 5: PVS1, PM2, PP3)

NM_006767.4(LZTR1):c.1785+1G>C

Gene: LZTR1 (leucine zipper like post translational regulator 1; plus strand). Cytogenetic location: 22q11.21.
Variant type: single nucleotide variant.
Coding change: c.1785+1G>C on transcript NM_006767.4 (MANE Select); the canonical splice donor site of the intron after coding-DNA position 1785, G replaced by C.
Molecular consequence: splice donor variant.
Genome position (GRCh38, 1-based): chr22:20,994,728, G>C. VCF-style: chr22-20994728-G-C. GRCh37 (hg19) VCF-style: chr22-21349017-G-C.
Other names: c.1785+1G>C (NM_006767.3).
Identifiers: ClinVar variation 984443 (VCV000984443.4), dbSNP rs145594158, ClinGen allele CA410778399.
Genomic context (GRCh38, chr22:20,994,728, plus strand): 5'-CTGCAGAACGTGCTGGTTGTGTGCGAGAGTGCCGCCCGGCTGCAGCTGAGCCAACTCAAG[G>C]TGTGGGGTGGGGTCAGCGCAATCAGGGTTGGGTGGGGTGTGCTCAGGCTTAGGCCCCCTC-3'